The following is an entry in ClinVar:

ClinVar aggregate classification (germline): Uncertain significance (1 of 4 stars; one submission).

Conditions:
Duchenne muscular dystrophy (DMD). Also called: MUSCULAR DYSTROPHY, PSEUDOHYPERTROPHIC PROGRESSIVE, DUCHENNE TYPE; Duchenne Muscular Dystrophy (DMD). Identifiers: Orphanet 98896, MedGen C0013264, MONDO:0010679, OMIM 310200.

Submission:

Labcorp Genetics (formerly Invitae), Labcorp
Classification: Uncertain significance for Duchenne muscular dystrophy. Last evaluated: 2022-05-15. Review status: criteria provided, single submitter. Criteria: Invitae Variant Classification Sherloc (09022015). Collection method: clinical testing. Allele origin: germline.
Comment: This sequence change replaces isoleucine, which is neutral and non-polar, with threonine, which is neutral and polar, at codon 2316 of the DMD protein (p.Ile2316Thr). This variant is not present in population databases (gnomAD no frequency). This variant has not been reported in the literature in individuals affected with DMD-related conditions. Algorithms developed to predict the effect of missense changes on protein structure and function are either unavailable or do not agree on the potential impact of this missense change (SIFT: "Deleterious"; PolyPhen-2: "Benign"; Align-GVGD: "Class C0"). In summary, the available evidence is currently insufficient to determine the role of this variant in disease. Therefore, it has been classified as a Variant of Uncertain Significance.

NM_004006.3(DMD):c.6947T>C (p.Ile2316Thr)

Gene: DMD (dystrophin; minus strand). Cytogenetic location: Xp21.1.
Variant type: single nucleotide variant.
Coding change: c.6947T>C on transcript NM_004006.3 (MANE Select); coding-DNA position 6947, T replaced by C.
Protein change: p.Ile2316Thr; replaces isoleucine 2316 with threonine.
Molecular consequence: missense variant. On other transcripts: 5 prime UTR variant (5).
Genome position (GRCh38, 1-based): chrX:31,875,339, A>G on the plus strand (T>C on the coding strand, the complement: DMD is on the minus strand). VCF-style: chrX-31875339-A-G. GRCh37 (hg19) VCF-style: chrX-31893456-A-G.
Other names: c.6923T>C, p.Ile2308Thr (NM_000109.4); c.6935T>C, p.Ile2312Thr (NM_004009.3); c.6578T>C, p.Ile2193Thr (NM_004010.3); c.2924T>C, p.Ile975Thr (NM_004011.4); c.2915T>C, p.Ile972Thr (NM_004012.4); c.-434T>C (NM_004013.3, NM_004020.4, NM_004021.3 and 2 more transcripts); short protein forms I2193T, I2308T, I975T, I2312T, I2316T, I972T.
Identifiers: ClinVar variation 2132797 (VCV002132797.1), dbSNP rs2532456426, ClinGen allele CA412660198.